The following is an entry in ClinVar:

ClinVar aggregate classification (germline): Uncertain significance (1 of 4 stars; one submission).

Conditions:
Hereditary sensory and autonomic neuropathy type 6. Also called: Neuropathy, hereditary sensory and autonomic, type VI; HSAN VI. Identifiers: Orphanet 314381, MedGen C3539003, MONDO:0013839, OMIM 614653.
Epidermolysis bullosa simplex 3, localized or generalized intermediate, with BP230 deficiency (EBS3). Also called: Epidermolysis bullosa simplex due to BP230 deficiency; Epidermolysis bullosa simplex, autosomal recessive 2. Identifiers: Orphanet 412181, MedGen C3809470, MONDO:0014180, OMIM 615425.

Submission:

Labcorp Genetics (formerly Invitae), Labcorp
Classification: Uncertain significance for Epidermolysis bullosa simplex 3, localized or generalized intermediate, with BP230 deficiency; Hereditary sensory and autonomic neuropathy type 6. Last evaluated: 2020-09-01. Review status: criteria provided, single submitter. Criteria: Invitae Variant Classification Sherloc (09022015). Collection method: clinical testing. Allele origin: germline.
Comment: This sequence change replaces phenylalanine with leucine at codon 2985 of the DST protein (p.Phe2985Leu). The phenylalanine residue is highly conserved and there is a small physicochemical difference between the two amino acids. The DST gene has multiple clinically relevant transcripts. This variant occurs in alternate transcript NM_015548.4, and corresponds to NM_001723.5:c.*80278C>G in the primary transcript. This variant is not present in population databases (ExAC no frequency). This variant has not been reported in the literature in individuals with DST-related conditions. Experimental studies and prediction algorithms are not available or were not evaluated, and the functional significance of this variant is currently unknown. In summary, the available evidence is currently insufficient to determine the role of this variant in disease. Therefore, it has been classified as a Variant of Uncertain Significance.

NM_001374736.1(DST):c.16824C>G (p.Phe5608Leu)

Gene: DST (dystonin; minus strand). Cytogenetic location: 6p12.1.
Variant type: single nucleotide variant.
Coding change: c.16824C>G on transcript NM_001374736.1 (MANE Select); coding-DNA position 16824, C replaced by G.
Protein change: p.Phe5608Leu; replaces phenylalanine 5608 with leucine.
Molecular consequence: missense variant.
Genome position (GRCh38, 1-based): chr6:56,535,239, G>C on the plus strand (C>G on the coding strand, the complement: DST is on the minus strand). VCF-style: chr6-56535239-G-C. GRCh37 (hg19) VCF-style: chr6-56400037-G-C.
Other names: c.10467C>G, p.Phe3489Leu (NM_001144769.5); c.10053C>G, p.Phe3351Leu (NM_001144770.2); c.16824C>G, p.Phe5608Leu (NM_001374722.1); c.16191C>G, p.Phe5397Leu (NM_001374729.1); c.9933C>G, p.Phe3311Leu (NM_001374730.1, NM_001386100.1, NM_183380.4); c.16851C>G, p.Phe5617Leu (NM_001374734.1); c.8955C>G, p.Phe2985Leu (NM_015548.5); short protein forms F2985L, F3311L, F3351L, F3489L, F5397L, F5608L, F5617L.
Identifiers: ClinVar variation 1053534 (VCV001053534.7), dbSNP rs2152521844, ClinGen allele CA364510969.